The following is an entry in ClinVar:

ClinVar aggregate classification (germline): Uncertain significance (1 of 4 stars; one submission).

Conditions:
Gorlin syndrome. Also called: Nevoid Basal Cell Carcinoma Syndrome; Basal cell nevus syndrome. Identifiers: Orphanet 377, MedGen C0004779, MONDO:0007187.

Submission:

Labcorp Genetics (formerly Invitae), Labcorp
Classification: Uncertain significance for Gorlin syndrome. Last evaluated: 2025-06-17. Review status: criteria provided, single submitter. Criteria: Invitae Variant Classification Sherloc (09022015). Collection method: clinical testing. Allele origin: germline.
Comment: This sequence change replaces aspartic acid, which is acidic and polar, with glycine, which is neutral and non-polar, at codon 850 of the PTCH1 protein (p.Asp850Gly). This variant is not present in population databases (gnomAD no frequency). This variant has not been reported in the literature in individuals affected with PTCH1-related conditions. Invitae Evidence Modeling of protein sequence and biophysical properties (such as structural, functional, and spatial information, amino acid conservation, physicochemical variation, residue mobility, and thermodynamic stability) has been performed for this missense variant. However, the output from this modeling did not meet the statistical confidence thresholds required to predict the impact of this variant on PTCH1 protein function. In summary, the available evidence is currently insufficient to determine the role of this variant in disease. Therefore, it has been classified as a Variant of Uncertain Significance.

NM_000264.5(PTCH1):c.2549A>G (p.Asp850Gly)

Genes: PTCH1 (patched 1; minus strand), LOC100507346 (uncharacterized LOC100507346; plus strand). Cytogenetic location: 9q22.32.
Variant type: single nucleotide variant.
Coding change: c.2549A>G on transcript NM_000264.5 (MANE Select); coding-DNA position 2549, A replaced by G.
Protein change: p.Asp850Gly; replaces aspartic acid 850 with glycine.
Molecular consequence: missense variant. On other transcripts: non-coding transcript variant (2).
Genome position (GRCh38, 1-based): chr9:95,467,127, T>C on the plus strand (A>G on the coding strand, the complement: PTCH1 is on the minus strand). VCF-style: chr9-95467127-T-C. GRCh37 (hg19) VCF-style: chr9-98229409-T-C.
Other names: c.2351A>G, p.Asp784Gly (NM_001083602.3); c.2546A>G, p.Asp849Gly (NM_001083603.3); c.2096A>G, p.Asp699Gly (NM_001083604.3, NM_001083605.3, NM_001083606.3 and 1 more transcripts); c.2393A>G, p.Asp798Gly (NM_001354918.2); short protein forms D784G, D798G, D699G, D849G, D850G.
Identifiers: ClinVar variation 4750635 (VCV004750635.1).